The following is an entry in ClinVar:

NM_030973.4(MED25):c.320G>C (p.Gly107Ala)

Gene: MED25 (mediator complex subunit 25; plus strand). Cytogenetic location: 19q13.33.
Variant type: single nucleotide variant.
Coding change: c.320G>C on transcript NM_030973.4 (MANE Select); coding-DNA position 320, G replaced by C.
Protein change: p.Gly107Ala; replaces glycine 107 with alanine.
Molecular consequence: missense variant.
Genome position (GRCh38, 1-based): chr19:49,828,463, G>C. VCF-style: chr19-49828463-G-C. GRCh37 (hg19) VCF-style: chr19-50331720-G-C.
Other names: c.320G>C, p.Gly107Ala (NM_001378355.1); short protein forms G107A.
Identifiers: ClinVar variation 857189 (VCV000857189.9), dbSNP rs1448711945, ClinGen allele CA406911938.

ClinVar aggregate classification (germline): Uncertain significance (1 of 4 stars; one submission).

Conditions:
Charcot-Marie-Tooth disease type 2. Also called: Charcot-Marie-Tooth type 2. Identifiers: Orphanet 64746, MedGen C0270914, MONDO:0018993.

Submission:

Labcorp Genetics (formerly Invitae), Labcorp
Classification: Uncertain significance for Charcot-Marie-Tooth disease type 2. Last evaluated: 2022-07-19. Review status: criteria provided, single submitter. Criteria: Invitae Variant Classification Sherloc (09022015). Collection method: clinical testing. Allele origin: germline.
Comment: Algorithms developed to predict the effect of missense changes on protein structure and function are either unavailable or do not agree on the potential impact of this missense change (SIFT: "Deleterious"; PolyPhen-2: "Probably Damaging"; Align-GVGD: "Class C0"). ClinVar contains an entry for this variant (Variation ID: 857189). This variant has not been reported in the literature in individuals affected with MED25-related conditions. This variant is present in population databases (no rsID available, gnomAD 0.0009%). This sequence change replaces glycine, which is neutral and non-polar, with alanine, which is neutral and non-polar, at codon 107 of the MED25 protein (p.Gly107Ala). In summary, the available evidence is currently insufficient to determine the role of this variant in disease. Therefore, it has been classified as a Variant of Uncertain Significance.